The following is an entry in ClinVar:

ClinVar aggregate classification (germline): Likely benign (0 of 4 stars; one submission).

Conditions:
FMN2-related disorder. Also called: FMN2-related condition.

Allele frequency attached by ClinVar (database versions not stated): gnomAD 0.00005; TOPMed 0.00005; 1000 Genomes Project 0.00020; ExAC 0.00030; 1000 Genomes Project 30x 0.00031.
gnomAD v4.1: 174 of 1,600,088 alleles (0.011%); highest among the groups gnomAD compares: South Asian, 0.11%; no homozygotes.

Submission:

PreventionGenetics, part of Exact Sciences
Classification: Likely benign for FMN2-related condition. Last evaluated: 2020-07-20. Review status: no assertion criteria provided. Collection method: clinical testing. Allele origin: germline.
Comment: This variant is classified as likely benign based on ACMG/AMP sequence variant interpretation guidelines (Richards et al. 2015 PMID: 25741868, with internal and published modifications).

NM_020066.5(FMN2):c.1987-9G>A

Gene: FMN2 (formin 2; plus strand). Cytogenetic location: 1q43.
Variant type: single nucleotide variant.
Coding change: c.1987-9G>A on transcript NM_020066.5 (MANE Select); 9 bases into the intron before coding-DNA position 1987, G replaced by A.
Molecular consequence: intron variant.
Genome position (GRCh38, 1-based): chr1:240,206,790, G>A. VCF-style: chr1-240206790-G-A. GRCh37 (hg19) VCF-style: chr1-240370090-G-A.
Other names: c.1999-9G>A (NM_001305424.2); c.1986+18528G>A (NM_001348094.2).
Identifiers: ClinVar variation 3051642 (VCV003051642.2), dbSNP rs565491176, ClinGen allele CA1476518.
Genomic context (GRCh38, chr1:240,206,790, plus strand): 5'-CTTAATTTTTTGCTATTTGCATTTTTCCTTATTTCATAACTAACTGTGTCTGTCCTTGTC[G>A]CCCTTCAGGAAGTTGTTGACATGAAGTCTGAGGGACAGGCCACTGTAATTCAGCAGCTGG-3'